The following is an entry in ClinVar:

ClinVar aggregate classification (germline): Benign (1 of 4 stars; one submission).

Submission:

Mayo Clinic Laboratories, Mayo Clinic
Classification: Benign. Last evaluated: 2025-10-08. Review status: criteria provided, single submitter. Criteria: ACMG Guidelines, 2015. Collection method: clinical testing. Allele origin: germline. Observed: 368 variant alleles.
Comment: BA1, BP4_moderate

NM_001102416.3(KNG1):c.533T>C (p.Met178Thr)

Gene: KNG1 (kininogen 1; plus strand). Cytogenetic location: 3q27.3.
Variant type: single nucleotide variant.
Coding change: c.533T>C on transcript NM_001102416.3 (MANE Select); coding-DNA position 533, T replaced by C.
Protein change: p.Met178Thr; replaces methionine 178 with threonine.
Molecular consequence: missense variant.
Genome position (GRCh38, 1-based): chr3:186,725,229, T>C. VCF-style: chr3-186725229-T-C. GRCh37 (hg19) VCF-style: chr3-186443018-T-C.
Other names: p.Met178Thr; c.533T>C, p.Met178Thr (NM_000893.4, NM_001166451.2); short protein forms M178T.
Identifiers: ClinVar variation 4684755 (VCV004684755.1).